The following is an entry in ClinVar:

NM_000214.3(JAG1):c.3507G>C (p.Arg1169=)

Gene: JAG1 (jagged canonical Notch ligand 1; minus strand). Cytogenetic location: 20p12.2.
Variant type: single nucleotide variant.
Coding change: c.3507G>C on transcript NM_000214.3 (MANE Select); coding-DNA position 3507, G replaced by C.
Protein change: p.Arg1169=; no amino-acid change (arginine 1169 retained).
Molecular consequence: synonymous variant.
Genome position (GRCh38, 1-based): chr20:10,639,648, C>G on the plus strand (G>C on the coding strand, the complement: JAG1 is on the minus strand). VCF-style: chr20-10639648-C-G. GRCh37 (hg19) VCF-style: chr20-10620296-C-G.
Other names: c.3507G>C, p.Arg1169= (LRG_1191t1).
Identifiers: ClinVar variation 594000 (VCV000594000.23), dbSNP rs138452567, ClinGen allele CA9764199.
Genomic context (GRCh38, chr20:10,639,648, plus strand): 5'-CGTGCCGTTGGGGGGCTTCTCTTCTCTGTCTACCAGCGTGTACGCCGGCTGCTTGGCAAA[C>G]CGGGCTTTCTGCTGGTGTTTGTCCATGTCGTCCTCTTCTACTTCAGAATTGTGTGTCCTT-3'
Protein context (NP_000205.1, residues 1159-1179): DDMDKHQQKA[Arg1169=]FAKQPAYTLV

ClinVar aggregate classification (germline): Benign/Likely benign. Review status: criteria provided, multiple submitters, no conflicts (2 of 4 stars). 8 submissions from 8 submitters: Benign (3); Likely benign (5). Last evaluated 2025-10-29.

Conditions:
Alagille syndrome due to a JAG1 point mutation. Also called: Alagille Syndrome 1; HEPATIC DUCTULAR HYPOPLASIA, SYNDROMATIC; JAG1-Related Alagille Syndrome. Identifiers: Orphanet 261619, Orphanet 52, MedGen C1956125, MONDO:0016862, OMIM 118450.
Cardiovascular phenotype. Identifiers: MedGen CN230736.
Deafness, congenital heart defects, and posterior embryotoxon (DCHE). Identifiers: MedGen C1866053, MONDO:0060713, OMIM 617992.
Tetralogy of Fallot (TOF). Identifiers: Orphanet 3303, MedGen C0039685, MONDO:0008542, OMIM 187500, HP:0001636.
Charcot-Marie-Tooth disease, axonal, Type 2HH. Also called: CHARCOT-MARIE-TOOTH NEUROPATHY, TYPE 2HH. Identifiers: MedGen C5562003, MONDO:0030458, OMIM 619574.
Isolated Nonsyndromic Congenital Heart Disease.

Allele frequency attached by ClinVar (database versions not stated): gnomAD exomes 0.00016 and 0.00031; TOPMed 0.00017; gnomAD 0.00020 and 0.00022; ESP Exome Variant Server 0.00023; ExAC 0.00025.
gnomAD v4.1: 279 of 1,614,096 alleles (0.017%); highest among the groups gnomAD compares: Non-Finnish European, 0.0028%; no homozygotes.

Submissions (8):

Labcorp Genetics (formerly Invitae), Labcorp
Classification: Benign for Alagille syndrome due to a JAG1 point mutation. Last evaluated: 2025-10-29. Review status: criteria provided, single submitter. Criteria: Invitae Variant Classification Sherloc (09022015). Collection method: clinical testing. Allele origin: germline.

Blueprint Genetics
Classification: Likely benign. Last evaluated: 2024-07-09. Review status: criteria provided, single submitter. Criteria: ACMG Guidelines, 2015. Collection method: clinical testing. Allele origin: germline.

Fulgent Genetics
Classification: Likely benign for Alagille syndrome due to a JAG1 point mutation; Tetralogy of Fallot; Deafness, congenital heart defects, and posterior embryotoxon; Charcot-Marie-Tooth disease, axonal, Type 2HH. Last evaluated: 2021-10-28. Review status: criteria provided, single submitter. Criteria: ACMG Guidelines, 2015. Collection method: clinical testing. Allele origin: unknown.

GeneDx
Classification: Likely benign. Last evaluated: 2018-04-24. Review status: criteria provided, single submitter. Criteria: GeneDx Variant Classification (06012015). Collection method: clinical testing. Allele origin: germline. Affected: yes.
Comment: This variant is considered likely benign or benign based on one or more of the following criteria: it is a conservative change, it occurs at a poorly conserved position in the protein, it is predicted to be benign by multiple in silico algorithms, and/or has population frequency not consistent with disease.

Illumina Laboratory Services, Illumina
Classification: Benign for Isolated Nonsyndromic Congenital Heart Disease. Last evaluated: 2018-01-13. Review status: criteria provided, single submitter. Criteria: ICSL Variant Classification Criteria 13 December 2019. Collection method: clinical testing. Allele origin: germline.
Comment: This variant was observed in the ICSL laboratory as part of a predisposition screen in an ostensibly healthy population. It had not been previously curated by ICSL or reported in the Human Gene Mutation Database (HGMD: prior to June 1st, 2018), and was therefore a candidate for classification through an automated scoring system. Utilizing variant allele frequency, disease prevalence and penetrance estimates, and inheritance mode, an automated score was calculated to assess if this variant is too frequent to cause the disease. Based on the score and internal cut-off values, a variant classified as benign is not then subjected to further curation. The score for this variant resulted in a classification of benign for this disease.

Eurofins Ntd Llc (ga)
Classification: Benign. Last evaluated: 2017-09-14. Review status: criteria provided, single submitter. Criteria: EGL Classification Definitions 2015. Collection method: clinical testing. Allele origin: germline. Observed: 2 variant alleles, 2 heterozygotes.

Ambry Genetics
Classification: Likely benign for Cardiovascular phenotype. Last evaluated: 2016-12-05. Review status: criteria provided, single submitter. Criteria: Ambry Variant Classification Scheme 2023. Collection method: clinical testing. Allele origin: germline.

Breakthrough Genomics
Classification: Likely benign. Review status: criteria provided, single submitter. Criteria: ACMG Guidelines, 2015. Collection method: not provided. Allele origin: germline. Inheritance: Autosomal dominant inheritance. Affected: yes.